The following is an entry in ClinVar:

NM_001114753.3(ENG):c.-126G>A

Gene: ENG (endoglin; minus strand). Cytogenetic location: 9q34.11.
Variant type: single nucleotide variant.
Coding change: c.-126G>A on transcript NM_001114753.3 (MANE Select); 126 bases upstream of the start codon, G replaced by A.
Molecular consequence: 5 prime UTR variant.
Genome position (GRCh38, 1-based): chr9:127,854,481, C>T on the plus strand (G>A on the coding strand, the complement: ENG is on the minus strand). VCF-style: chr9-127854481-C-T. GRCh37 (hg19) VCF-style: chr9-130616760-C-T.
Other names: c.-126G>A (NM_000118.4, NM_001406715.1).
Identifiers: ClinVar variation 1342717 (VCV001342717.8), dbSNP rs940261789, ClinGen allele CA200326852.

ClinVar aggregate classification (germline): Uncertain significance. Review status: criteria provided, multiple submitters, no conflicts (2 of 4 stars). 3 submissions from 3 submitters: Uncertain significance (3). Last evaluated 2024-01-15.

Conditions:
Hereditary hemorrhagic telangiectasia (HHT). Also called: ORW DISEASE; Osler Weber Rendu syndrome; OSLER-RENDU-WEBER DISEASE; Osler hemorrhagic telangiectasia syndrome. Identifiers: Orphanet 774, MedGen C0039445, MONDO:0019180. Disease mechanism: loss of function.
Telangiectasia, hereditary hemorrhagic, type 1 (HHT1). Also called: Osler Weber Rendu syndrome type 1; ENG-Related Hereditary Hemorrhagic Telangiectasia. Identifiers: Orphanet 774, MedGen C4551861, MONDO:0008535, OMIM 187300. Disease mechanism: loss of function.

Allele frequency attached by ClinVar (database versions not stated): gnomAD 0.00005; gnomAD exomes 0.00008; TOPMed 0.00008.
gnomAD v4.1: 79 of 1,027,658 alleles (0.0077%); highest among the groups gnomAD compares: Middle Eastern, 0.03%; no homozygotes.

Submissions (3):

Labcorp Genetics (formerly Invitae), Labcorp
Classification: Uncertain significance for Hereditary hemorrhagic telangiectasia. Last evaluated: 2024-01-15. Review status: criteria provided, single submitter. Criteria: Invitae Variant Classification Sherloc (09022015). Collection method: clinical testing. Allele origin: germline.
Comment: This variant occurs in a non-coding region of the ENG gene. It does not change the encoded amino acid sequence of the ENG protein. This variant is not present in population databases (gnomAD no frequency). This variant has not been reported in the literature in individuals affected with ENG-related conditions. ClinVar contains an entry for this variant (Variation ID: 1342717). Experimental studies and prediction algorithms are not available or were not evaluated, and the functional significance of this variant is currently unknown. In summary, the available evidence is currently insufficient to determine the role of this variant in disease. Therefore, it has been classified as a Variant of Uncertain Significance.

GeneDx
Classification: Uncertain significance. Last evaluated: 2023-10-06. Review status: criteria provided, single submitter. Criteria: GeneDx Variant Classification Process June 2021. Collection method: clinical testing. Allele origin: germline. Affected: yes.
Comment: Has not been previously published as pathogenic or benign to our knowledge; No data available from control populations to assess the frequency of this variant

Institute of Human Genetics, University of Goettingen
Classification: Uncertain significance for Telangiectasia, hereditary hemorrhagic, type 1. Last evaluated: 2022-02-04. Review status: criteria provided, single submitter. Criteria: ACMG Guidelines, 2015. Collection method: clinical testing. Allele origin: germline. Inheritance: Autosomal dominant inheritance. Affected: yes. Observed: 1 heterozygote.